The following is an entry in ClinVar:

ClinVar aggregate classification (germline): Uncertain significance (1 of 4 stars; one submission).

Conditions:
Charcot-Marie-Tooth disease type 4. Also called: Charcot-Marie-Tooth disease, type IV; Charcot-Marie-Tooth, Type 4. Identifiers: Orphanet 64749, MedGen C4082197, MONDO:0018995.

Submission:

Labcorp Genetics (formerly Invitae), Labcorp
Classification: Uncertain significance for Charcot-Marie-Tooth disease type 4. Last evaluated: 2020-06-26. Review status: criteria provided, single submitter. Criteria: Invitae Variant Classification Sherloc (09022015). Collection method: clinical testing. Allele origin: germline.
Comment: Algorithms developed to predict the effect of missense changes on protein structure and function (SIFT, PolyPhen-2, Align-GVGD) all suggest that this variant is likely to be tolerated, but these predictions have not been confirmed by published functional studies and their clinical significance is uncertain. In summary, the available evidence is currently insufficient to determine the role of this variant in disease. Therefore, it has been classified as a Variant of Uncertain Significance. This variant has not been reported in the literature in individuals with MTMR2-related conditions. This variant is not present in population databases (ExAC no frequency). This sequence change replaces glycine with glutamic acid at codon 169 of the MTMR2 protein (p.Gly169Glu). The glycine residue is moderately conserved and there is a moderate physicochemical difference between glycine and glutamic acid.

NM_016156.6(MTMR2):c.506G>A (p.Gly169Glu)

Gene: MTMR2 (myotubularin related protein 2; minus strand). Cytogenetic location: 11q21.
Variant type: single nucleotide variant.
Coding change: c.506G>A on transcript NM_016156.6 (MANE Select); coding-DNA position 506, G replaced by A.
Protein change: p.Gly169Glu; replaces glycine 169 with glutamic acid.
Molecular consequence: missense variant.
Genome position (GRCh38, 1-based): chr11:95,858,595, C>T on the plus strand (G>A on the coding strand, the complement: MTMR2 is on the minus strand). VCF-style: chr11-95858595-C-T. GRCh37 (hg19) VCF-style: chr11-95591759-C-T.
Other names: c.290G>A, p.Gly97Glu (NM_001243571.2, NM_201278.3, NM_201281.3); short protein forms G169E, G97E.
Identifiers: ClinVar variation 1056555 (VCV001056555.9), dbSNP rs1864296648, ClinGen allele CA382428537.